The following is an entry in ClinVar:

NM_198239.2(CCN6):c.757G>A (p.Asp253Asn)

Gene: CCN6 (cellular communication network factor 6; plus strand). Cytogenetic location: 6q21.
Variant type: single nucleotide variant.
Coding change: c.757G>A on transcript NM_198239.2 (MANE Select); coding-DNA position 757, G replaced by A.
Protein change: p.Asp253Asn; replaces aspartic acid 253 with asparagine.
Molecular consequence: missense variant. On other transcripts: non-coding transcript variant (2).
Genome position (GRCh38, 1-based): chr6:112,068,372, G>A. VCF-style: chr6-112068372-G-A. GRCh37 (hg19) VCF-style: chr6-112389575-G-A.
Other names: c.757G>A, p.Asp253Asn (NM_003880.4); short protein forms D253N.
Identifiers: ClinVar variation 903726 (VCV000903726.10), dbSNP rs140750750, ClinGen allele CA3964084.

ClinVar aggregate classification (germline): Uncertain significance. Review status: criteria provided, multiple submitters, no conflicts (2 of 4 stars). 3 submissions from 3 submitters: Uncertain significance (3). Last evaluated 2024-03-04.

Conditions:
Inborn genetic diseases. Identifiers: MedGen C0950123, MeSH D030342.
Progressive pseudorheumatoid dysplasia (PPRD). Also called: Progressive Pseudorheumatoid Arthropathy of Childhood; SPONDYLOEPIPHYSEAL DYSPLASIA TARDA WITH PROGRESSIVE ARTHROPATHY. Identifiers: Orphanet 1159, MedGen C0432215, MONDO:0008827, OMIM 208230. Disease mechanism: loss of function.

Allele frequency attached by ClinVar (database versions not stated): ExAC 0.00001; gnomAD exomes 0.00002; gnomAD 0.00004 and 0.00005; TOPMed 0.00006; ESP Exome Variant Server 0.00008.
gnomAD v4.1: 33 of 1,612,460 alleles (0.002%); highest among the groups gnomAD compares: African/African-American, 0.004%; no homozygotes.

Submissions (3):

Ambry Genetics
Classification: Uncertain significance for Inborn genetic diseases. Last evaluated: 2024-03-04. Review status: criteria provided, single submitter. Criteria: Ambry Variant Classification Scheme 2023. Collection method: clinical testing. Allele origin: germline.

Labcorp Genetics (formerly Invitae), Labcorp
Classification: Uncertain significance. Last evaluated: 2021-09-01. Review status: criteria provided, single submitter. Criteria: Invitae Variant Classification Sherloc (09022015). Collection method: clinical testing. Allele origin: germline.
Comment: This sequence change replaces aspartic acid with asparagine at codon 253 of the WISP3 protein (p.Asp253Asn). The aspartic acid residue is moderately conserved and there is a small physicochemical difference between aspartic acid and asparagine. This variant is present in population databases (rs140750750, ExAC 0.002%). This variant has not been reported in the literature in individuals affected with WISP3-related conditions. Algorithms developed to predict the effect of missense changes on protein structure and function output the following: SIFT: "Tolerated"; PolyPhen-2: "Benign"; Align-GVGD: "Class C0". The asparagine amino acid residue is found in multiple mammalian species, which suggests that this missense change does not adversely affect protein function. In summary, the available evidence is currently insufficient to determine the role of this variant in disease. Therefore, it has been classified as a Variant of Uncertain Significance.

Illumina Laboratory Services, Illumina
Classification: Uncertain significance for Progressive pseudorheumatoid dysplasia. Last evaluated: 2017-04-27. Review status: criteria provided, single submitter. Criteria: ICSL Variant Classification Criteria 13 December 2019. Collection method: clinical testing. Allele origin: germline.